The following is an entry in ClinVar:

ClinVar aggregate classification (germline): Likely pathogenic (1 of 4 stars; one submission).

Conditions:
Hereditary cancer-predisposing syndrome. Also called: Neoplastic Syndromes, Hereditary; Tumor predisposition; Hereditary neoplastic syndrome; Hereditary Cancer Syndrome. Identifiers: Orphanet 140162, MedGen C0027672, MeSH D009386, MONDO:0015356.

Submission:

Ambry Genetics
Classification: Likely pathogenic for Hereditary cancer-predisposing syndrome. Last evaluated: 2019-08-19. Review status: criteria provided, single submitter. Criteria: Ambry Variant Classification Scheme 2023. Collection method: clinical testing. Allele origin: germline.
Comment: The c.5178-1G>T intronic variant results from a G to T substitution one nucleotide upstream from coding exon 34 of the ATM gene. This nucleotide position is highly conserved in available vertebrate species. Using the BDGP and ESEfinder splice site prediction tools, this alteration is predicted to abolish the native splice acceptor site; however, direct evidence is unavailable. Alterations that disrupt the canonical splice site are expected to cause aberrant splicing, resulting in an abnormal protein or a transcript that is subject to nonsense-mediated mRNA decay. As such, this alteration is classified as likely pathogenic.

NM_000051.4(ATM):c.5178-1G>T

Gene: ATM (ATM serine/threonine kinase; plus strand). Cytogenetic location: 11q22.3.
Variant type: single nucleotide variant.
Coding change: c.5178-1G>T on transcript NM_000051.4 (MANE Select); the canonical splice acceptor site of the intron before coding-DNA position 5178, G replaced by T.
Molecular consequence: splice acceptor variant.
Genome position (GRCh38, 1-based): chr11:108,301,647, G>T. VCF-style: chr11-108301647-G-T. GRCh37 (hg19) VCF-style: chr11-108172374-G-T.
Other names: c.5178-1G>T (NM_001351834.2).
Identifiers: ClinVar variation 825507 (VCV000825507.4), dbSNP rs1555105579, ClinGen allele CA382542078.
Genomic context (GRCh38, chr11:108,301,647, plus strand): 5'-TTAACATTCATCAAGATTAATAACTGGTGTACTTGATAGGCATTTGAATTGTTTTTTTCA[G>T]TGTCAAAGTTCGATCAGCAGCTGTTACCTGTTTGAAAAACATTTTAGCCACAAAGACTGG-3'